The following is an entry in ClinVar:

ClinVar aggregate classification (germline): Pathogenic (1 of 4 stars; one submission).

Conditions:
Duchenne muscular dystrophy (DMD). Also called: MUSCULAR DYSTROPHY, PSEUDOHYPERTROPHIC PROGRESSIVE, DUCHENNE TYPE; Duchenne Muscular Dystrophy (DMD). Identifiers: Orphanet 98896, MedGen C0013264, MONDO:0010679, OMIM 310200.

Submission:

Labcorp Genetics (formerly Invitae), Labcorp
Classification: Pathogenic for Duchenne muscular dystrophy. Last evaluated: 2023-04-28. Review status: criteria provided, single submitter. Criteria: Invitae Variant Classification Sherloc (09022015). Collection method: clinical testing. Allele origin: unknown.
Comment: For these reasons, this variant has been classified as Pathogenic. A similar copy number variant has been observed in individuals with Duchenne muscular dystrophy (PMID: 9800909, 17561468, 19084397). This variant results in a copy number gain of the genomic region encompassing exon(s) 45-49 of the DMD gene. While the exact position of this variant cannot be determined from the data, sub-genic copy number gains are generally in tandem (PMID: 25640679). This variant is predicted to be in-frame, and likely preserves the integrity of the reading frame.

Literature cited by the submitters: PubMed 9800909; PubMed 17561468; PubMed 19084397; PubMed 25640679.

NC_000023.10:g.(?_31854815)_(31986651_?)dup

Genes: DMD (dystrophin; minus strand), LOC129391296 (MPRA-validated peak7373 silencer; plus strand). Cytogenetic location: Xp21.1.
Variant type: Duplication.
Identifiers: ClinVar variation 3243076 (VCV003243076.1).